The following is an entry in ClinVar:

NM_012448.4(STAT5B):c.1408G>A (p.Val470Ile)

Gene: STAT5B (signal transducer and activator of transcription 5B; minus strand). Cytogenetic location: 17q21.2.
Variant type: single nucleotide variant.
Coding change: c.1408G>A on transcript NM_012448.4 (MANE Select); coding-DNA position 1408, G replaced by A.
Protein change: p.Val470Ile; replaces valine 470 with isoleucine.
Molecular consequence: missense variant.
Genome position (GRCh38, 1-based): chr17:42,216,079, C>T on the plus strand (G>A on the coding strand, the complement: STAT5B is on the minus strand). VCF-style: chr17-42216079-C-T. GRCh37 (hg19) VCF-style: chr17-40368097-C-T.
Other names: short protein forms V470I.
Identifiers: ClinVar variation 534577 (VCV000534577.9), dbSNP rs1555548681, ClinGen allele CA399580743.
Genomic context (GRCh38, chr17:42,216,079, plus strand): 5'-CTGCAAAAGCATTGTCCCAGAGAACAGTGGCCGTCGCATTGTTGTCCTGGCTGCCATGAA[C>T]GATCACCACCACTGGCAGGGACAGGGTCTAAAAAGACACAAGAGAAGGCTGAGCGCCCAC-3'
Protein context (NP_036580.2, residues 460-480): KTLSLPVVVI[Val470Ile]HGSQDNNATA

ClinVar aggregate classification (germline): Uncertain significance (1 of 4 stars; one submission).

Conditions:
Growth hormone insensitivity with immune dysregulation 1, autosomal recessive. Also called: GROWTH HORMONE INSENSITIVITY DUE TO POSTRECEPTOR DEFECT; LARON SYNDROME DUE TO POSTRECEPTOR DEFECT; GROWTH HORMONE INSENSITIVITY SYNDROME WITH IMMUNE DYSREGULATION 1, AUTOSOMAL RECESSIVE; Laron syndrome with immunodeficiency. Identifiers: Orphanet 220465, MedGen C5435698, MONDO:0100211, OMIM 245590.

Allele frequency attached by ClinVar (database versions not stated): gnomAD exomes below 0.00001.
gnomAD v4.1: 1 of 1,613,816 alleles (0.000062%); highest among the groups gnomAD compares: Non-Finnish European, 0.000085%; no homozygotes.

Submission:

Labcorp Genetics (formerly Invitae), Labcorp
Classification: Uncertain significance for Growth hormone insensitivity with immune dysregulation 1, autosomal recessive. Last evaluated: 2017-11-28. Review status: criteria provided, single submitter. Criteria: Invitae Variant Classification Sherloc (09022015). Collection method: clinical testing. Allele origin: germline.
Comment: In summary, the available evidence is currently insufficient to determine the role of this variant in disease. Therefore, it has been classified as a Variant of Uncertain Significance. Algorithms developed to predict the effect of missense changes on protein structure and function do not agree on the potential impact of this missense change (SIFT: "Deleterious"; PolyPhen-2: "Benign"; Align-GVGD: "Class C25"). This variant has not been reported in the literature in individuals with STAT5B-related disease. This variant is not present in population databases (ExAC no frequency). This sequence change replaces valine with isoleucine at codon 470 of the STAT5B protein (p.Val470Ile). The valine residue is highly conserved and there is a small physicochemical difference between valine and isoleucine.